The following is an entry in ClinVar:

NM_001005273.3(CHD3):c.3133C>A (p.Leu1045Ile)

Gene: CHD3 (chromodomain helicase DNA binding protein 3; plus strand). Cytogenetic location: 17p13.1.
Variant type: single nucleotide variant.
Coding change: c.3133C>A on transcript NM_001005273.3 (MANE Select); coding-DNA position 3133, C replaced by A.
Protein change: p.Leu1045Ile; replaces leucine 1045 with isoleucine.
Molecular consequence: missense variant.
Genome position (GRCh38, 1-based): chr17:7,901,256, C>A. VCF-style: chr17-7901256-C-A. GRCh37 (hg19) VCF-style: chr17-7804574-C-A.
Other names: c.3310C>A, p.Leu1104Ile (NM_001005271.3); c.3133C>A, p.Leu1045Ile (NM_005852.4); short protein forms L1045I, L1104I.
Identifiers: ClinVar variation 3602495 (VCV003602495.2).

ClinVar aggregate classification (germline): Uncertain significance (1 of 4 stars; one submission).

Submission:

GeneDx
Classification: Uncertain significance. Last evaluated: 2025-05-30. Review status: criteria provided, single submitter. Criteria: GeneDx Variant Classification Process June 2021. Collection method: clinical testing. Allele origin: germline. Affected: yes.
Comment: Not observed at significant frequency in large population cohorts (gnomAD); In silico analysis indicates that this missense variant does not alter protein structure/function; Has not been previously published as pathogenic or benign to our knowledge